The following is an entry in ClinVar:

ClinVar aggregate classification (germline): Uncertain significance. Review status: criteria provided, multiple submitters, no conflicts (2 of 4 stars). 2 submissions from 2 submitters: Uncertain significance (2). Last evaluated 2025-11-24.

Conditions:
Inborn genetic diseases. Identifiers: MedGen C0950123, MeSH D030342.
Mosaic variegated aneuploidy syndrome 1 (MVA1). Also called: Warburton-Anyane-Yeboa syndrome. Identifiers: Orphanet 1052, MedGen C1850343, MONDO:0009759, OMIM 257300.

Allele frequency attached by ClinVar (database versions not stated): gnomAD exomes 0.00002 and 0.00003; TOPMed 0.00003; gnomAD 0.00004 and 0.00005; ExAC 0.00005.
gnomAD v4.1: 40 of 1,613,976 alleles (0.0025%); highest among the groups gnomAD compares: African/African-American, 0.0067%; no homozygotes.

Submissions (2):

Labcorp Genetics (formerly Invitae), Labcorp
Classification: Uncertain significance for Mosaic variegated aneuploidy syndrome 1. Last evaluated: 2025-11-24. Review status: criteria provided, single submitter. Criteria: Invitae Variant Classification Sherloc (09022015). Collection method: clinical testing. Allele origin: germline.
Comment: This sequence change replaces arginine, which is basic and polar, with tryptophan, which is neutral and slightly polar, at codon 999 of the BUB1B protein (p.Arg999Trp). This variant is present in population databases (rs201246315, gnomAD 0.004%). This variant has not been reported in the literature in individuals affected with BUB1B-related conditions. ClinVar contains an entry for this variant (Variation ID: 849135). An algorithm developed to predict the effect of missense changes on protein structure and function (PolyPhen-2) suggests that this variant is likely to be disruptive. In summary, the available evidence is currently insufficient to determine the role of this variant in disease. Therefore, it has been classified as a Variant of Uncertain Significance.

Ambry Genetics
Classification: Uncertain significance for Inborn genetic diseases. Last evaluated: 2022-11-18. Review status: criteria provided, single submitter. Criteria: Ambry Variant Classification Scheme 2023. Collection method: clinical testing. Allele origin: germline.
Comment: The p.R999W variant (also known as c.2995C>T), located in coding exon 23 of the BUB1B gene, results from a C to T substitution at nucleotide position 2995. The arginine at codon 999 is replaced by tryptophan, an amino acid with dissimilar properties. This amino acid position is conserved. In addition, the in silico prediction for this alteration is inconclusive. Since supporting evidence is limited at this time, the clinical significance of this alteration remains unclear.

NM_001211.6(BUB1B):c.2995C>T (p.Arg999Trp)

Genes: BUB1B (BUB1 mitotic checkpoint serine/threonine kinase B; plus strand), BUB1B-PAK6 (BUB1B-PAK6 readthrough; plus strand). Cytogenetic location: 15q15.1.
Variant type: single nucleotide variant.
Coding change: c.2995C>T on transcript NM_001211.6 (MANE Select); coding-DNA position 2995, C replaced by T.
Protein change: p.Arg999Trp; replaces arginine 999 with tryptophan.
Molecular consequence: missense variant. On other transcripts: intron variant (2).
Genome position (GRCh38, 1-based): chr15:40,220,601, C>T. VCF-style: chr15-40220601-C-T. GRCh37 (hg19) VCF-style: chr15-40512802-C-T.
Other names: c.-201+2934C>T (NM_001128628.3); c.-118+2934C>T (NM_001128629.3); short protein forms R999W.
Identifiers: ClinVar variation 849135 (VCV000849135.13), dbSNP rs201246315, ClinGen allele CA7476179.